The following is an entry in ClinVar:

NM_002354.3(EPCAM):c.743T>C (p.Leu248Ser)

Gene: EPCAM (epithelial cell adhesion molecule; plus strand). Cytogenetic location: 2p21.
Variant type: single nucleotide variant.
Coding change: c.743T>C on transcript NM_002354.3 (MANE Select); coding-DNA position 743, T replaced by C.
Protein change: p.Leu248Ser; replaces leucine 248 with serine.
Molecular consequence: missense variant.
Genome position (GRCh38, 1-based): chr2:47,379,854, T>C. VCF-style: chr2-47379854-T-C. GRCh37 (hg19) VCF-style: chr2-47606993-T-C.
Other names: short protein forms L248S.
Identifiers: ClinVar variation 1758931 (VCV001758931.3), dbSNP rs1803936, ClinGen allele CA46644612.

ClinVar aggregate classification (germline): Uncertain significance (1 of 4 stars; one submission).

Conditions:
Hereditary cancer-predisposing syndrome. Also called: Neoplastic Syndromes, Hereditary; Tumor predisposition; Hereditary Cancer Syndrome; Hereditary neoplastic syndrome. Identifiers: Orphanet 140162, MedGen C0027672, MeSH D009386, MONDO:0015356.

Submission:

Ambry Genetics
Classification: Uncertain significance for Hereditary cancer-predisposing syndrome. Last evaluated: 2024-10-29. Review status: criteria provided, single submitter. Criteria: Ambry Variant Classification Scheme 2023. Collection method: clinical testing. Allele origin: germline.
Comment: The p.L248S variant (also known as c.743T>C), located in coding exon 7 of the EPCAM gene, results from a T to C substitution at nucleotide position 743. The leucine at codon 248 is replaced by serine, an amino acid with dissimilar properties. This amino acid position is conserved. In addition, this alteration is predicted to be tolerated by in silico analysis. Since supporting evidence is limited at this time, the clinical significance of this alteration remains unclear.